The following is an entry in ClinVar:

ClinVar aggregate classification (germline): Pathogenic/Likely pathogenic. Review status: criteria provided, multiple submitters, no conflicts (2 of 4 stars). 7 submissions from 7 submitters: Pathogenic (3); Likely pathogenic (4). Last evaluated 2026-03-06.

Conditions:
CNGB1-related disorder. Also called: CNGB1-related condition.
Retinal dystrophy. Also called: Inherited retinal dystrophy. Identifiers: Orphanet 71862, MedGen C0854723, MeSH D058499, MONDO:0019118, HP:0000556.
Retinitis pigmentosa 45 (RP45). Identifiers: Orphanet 791, MedGen C3151066, MONDO:0013413, OMIM 613767.
Retinal disorder. Also called: Retinopathy; Retinopathies; Retinal Diseases; Retinal disorders. Identifiers: MedGen C0035309, MONDO:0005283, HP:0000488.

Allele frequency attached by ClinVar (database versions not stated): ExAC below 0.00001; gnomAD 0.00001 and 0.00002; TOPMed 0.00001; gnomAD exomes 0.00002.
gnomAD v4.1: 35 of 1,570,546 alleles (0.0022%); highest among the groups gnomAD compares: Middle Eastern, 0.033%; no homozygotes.

Submissions (7):

GeneDx
Classification: Pathogenic. Last evaluated: 2026-03-06. Review status: criteria provided, single submitter. Criteria: GeneDx Variant Classification Process June 2021. Collection method: clinical testing. Allele origin: germline.
Comment: Non-canonical splice site variant demonstrated to result in loss of function (PMID: 29202463); This variant is associated with the following publications: (PMID: 35304488, 33847019, 29202463, 36819107)

Genetics Laboratory, Great Ormond Street Hospital NHS Foundation Trust, North Thames Genomic Laboratory Hub
Classification: Likely pathogenic for Retinal disorders. Last evaluated: 2026-02-04. Review status: criteria provided, single submitter. Criteria: ACGS Best Practice Guidelines for Variant Classification in Rare Disease 2024 v1.2. Collection method: clinical testing. Allele origin: germline. Affected: yes.
Comment: PS4_moderate, PM2_moderate, PS3_strong, PM3_supporting

Labcorp Genetics (formerly Invitae), Labcorp
Classification: Pathogenic. Last evaluated: 2025-07-28. Review status: criteria provided, single submitter. Criteria: Invitae Variant Classification Sherloc (09022015). Collection method: clinical testing. Allele origin: germline.
Comment: This sequence change falls in intron 14 of the CNGB1 gene. It does not directly change the encoded amino acid sequence of the CNGB1 protein. The frequency data for this variant in the population databases is considered unreliable, as metrics indicate poor data quality at this position in the gnomAD database. This variant has been observed in individual(s) with clinical features of retinitis pigmentosa (PMID: 29202463, 36819107; internal data). In at least one individual the data is consistent with being in trans (on the opposite chromosome) from a pathogenic variant. ClinVar contains an entry for this variant (Variation ID: 971615). Studies have shown that this variant alters mRNA splicing and is expected to lead to the loss of protein expression (PMID: 29202463). For these reasons, this variant has been classified as Pathogenic.

First Genomix Gene Laboratory, Genetic Diagnostics Department
Classification: Likely pathogenic for Retinitis pigmentosa 45. Last evaluated: 2025-01-14. Review status: criteria provided, single submitter. Criteria: ACMG Guidelines, 2015. Collection method: clinical testing. Allele origin: germline. Inheritance: Autosomal recessive inheritance. Affected: no. Observed: 1 variant allele.

Ophthalmic Genetics Group, Institute of Molecular and Clinical Ophthalmology Basel
Classification: Likely pathogenic for Retinal dystrophy. Last evaluated: 2024-05-27. Review status: criteria provided, single submitter. Criteria: ACMG Guidelines, 2015. Collection method: research. Allele origin: germline. Affected: yes. Observed: 2 variant alleles.
Comment: This variant was classified as Likely pathogenic based on ACMG criteria: PM2_mod, PM3_strong and PP3_mod

Fulgent Genetics
Classification: Likely pathogenic for Retinitis pigmentosa 45. Last evaluated: 2024-04-05. Review status: criteria provided, single submitter. Criteria: ACMG Guidelines, 2015. Collection method: clinical testing. Allele origin: germline.

Blueprint Genetics
Classification: Pathogenic for CNGB1-related disorders. Last evaluated: 2022-06-27. Review status: criteria provided, single submitter. Criteria: ACMG Guidelines, 2015. Collection method: clinical testing. Allele origin: germline. Affected: yes. Observed: 5 variant alleles.

Literature cited by the submitters: PubMed 29202463 (cited by Labcorp Genetics (formerly Invitae), Labcorp); PubMed 36819107 (cited by Labcorp Genetics (formerly Invitae), Labcorp); PubMed 40180963 (cited by Ophthalmic Genetics Group, Institute of Molecular and Clinical Ophthalmology Basel).

NM_001297.5(CNGB1):c.1122-9G>A

Gene: CNGB1 (cyclic nucleotide gated channel subunit beta 1; minus strand). Cytogenetic location: 16q21.
Variant type: single nucleotide variant.
Coding change: c.1122-9G>A on transcript NM_001297.5 (MANE Select); 9 bases into the intron before coding-DNA position 1122, G replaced by A.
Molecular consequence: intron variant.
Genome position (GRCh38, 1-based): chr16:57,940,330, C>T on the plus strand (G>A on the coding strand, the complement: CNGB1 is on the minus strand). VCF-style: chr16-57940330-C-T. GRCh37 (hg19) VCF-style: chr16-57974234-C-T.
Other names: NP_001288.3:p.?; c.1104-9G>A (NM_001286130.2).
Identifiers: ClinVar variation 971615 (VCV000971615.15), dbSNP rs750225817, ClinGen allele CA8083533.